The following is an entry in ClinVar:

NM_001127222.2(CACNA1A):c.632-3C>T

Gene: CACNA1A (calcium voltage-gated channel subunit alpha1 A; minus strand). Cytogenetic location: 19p13.13.
Variant type: single nucleotide variant.
Coding change: c.632-3C>T on transcript NM_001127222.2 (MANE Select); 3 bases into the intron before coding-DNA position 632, C replaced by T.
Molecular consequence: intron variant.
Genome position (GRCh38, 1-based): chr19:13,365,472, G>A on the plus strand (C>T on the coding strand, the complement: CACNA1A is on the minus strand). VCF-style: chr19-13365472-G-A. GRCh37 (hg19) VCF-style: chr19-13476286-G-A.
Other names: c.632-3C>T (NM_001127221.2, NM_001174080.2, NM_000068.4 and 1 more transcripts).
Identifiers: ClinVar variation 2947396 (VCV002947396.3), dbSNP rs2513175862, ClinGen allele CA2740091956.

ClinVar aggregate classification (germline): Uncertain significance (1 of 4 stars; one submission).

Conditions:
Episodic ataxia type 2 (EA2). Also called: CEREBELLAR ATAXIA, PAROXYSMAL, ACETAZOLAMIDE-RESPONSIVE; CEREBELLOPATHY, HEREDITARY PAROXYSMAL; EPISODIC ATAXIA, NYSTAGMUS-ASSOCIATED; ACETAZOLAMIDE-RESPONSIVE HEREDITARY PAROXYSMAL CEREBELLAR ATAXIA; ATAXIA, EPISODIC, WITH NYSTAGMUS; ATAXIA, FAMILIAL PAROXYSMAL. Identifiers: Orphanet 97, MedGen C1720416, MONDO:0007163, OMIM 108500.
Developmental and epileptic encephalopathy, 42 (DEE42A). Also called: Epileptic encephalopathy, early infantile, 42; DEVELOPMENTAL AND EPILEPTIC ENCEPHALOPATHY 42A; EPILEPTIC ENCEPHALOPATHY, EARLY INFANTILE, 42A. Identifiers: MedGen C4310716, MONDO:0014917, OMIM 617106.

Submission:

Labcorp Genetics (formerly Invitae), Labcorp
Classification: Uncertain significance for Developmental and epileptic encephalopathy, 42; Episodic ataxia type 2. Last evaluated: 2023-10-13. Review status: criteria provided, single submitter. Criteria: Invitae Variant Classification Sherloc (09022015). Collection method: clinical testing. Allele origin: germline.
Comment: This sequence change falls in intron 4 of the CACNA1A gene. It does not directly change the encoded amino acid sequence of the CACNA1A protein. It affects a nucleotide within the consensus splice site. This variant is not present in population databases (gnomAD no frequency). This variant has not been reported in the literature in individuals affected with CACNA1A-related conditions. Variants that disrupt the consensus splice site are a relatively common cause of aberrant splicing (PMID: 17576681, 9536098). Algorithms developed to predict the effect of sequence changes on RNA splicing suggest that this variant is not likely to affect RNA splicing. In summary, the available evidence is currently insufficient to determine the role of this variant in disease. Therefore, it has been classified as a Variant of Uncertain Significance.

Literature cited by the submitters: PubMed 17576681; PubMed 9536098.